The following is an entry in ClinVar:

ClinVar aggregate classification (germline): Pathogenic (0 of 4 stars; one submission).

Submission:

GenMed Metabolism Lab
Classification: Pathogenic. Review status: no assertion criteria provided. Collection method: not provided. Allele origin: unknown.
ClinVar note: Converted during submission from pathogenic to Pathogenic.

NM_000531.6(OTC):c.316G>A (p.Gly106Arg)

Gene: OTC (ornithine transcarbamylase; plus strand). Cytogenetic location: Xp11.4.
Variant type: single nucleotide variant.
Coding change: c.316G>A on transcript NM_000531.6 (MANE Select); coding-DNA position 316, G replaced by A.
Protein change: p.Gly106Arg; replaces glycine 106 with arginine.
Molecular consequence: missense variant.
Genome position (GRCh38, 1-based): chrX:38,381,359, G>A. VCF-style: chrX-38381359-G-A. GRCh37 (hg19) VCF-style: chrX-38240612-G-A.
Other names: short protein forms G106R.
Identifiers: ClinVar variation 97167 (VCV000097167.2), dbSNP rs72554352, ClinGen allele CA224552.